The following is an entry in ClinVar:

ClinVar aggregate classification (germline): Likely pathogenic (1 of 4 stars; one submission).

Submission:

Athena Diagnostics
Classification: Likely pathogenic. Last evaluated: 2020-11-16. Review status: criteria provided, single submitter. Criteria: Athena Diagnostics criteria. Collection method: clinical testing. Allele origin: unknown.
Comment: This variant is presumed to be inserted within the DMD gene, thus expected to result in the loss of a functional protein. A similar duplication of exons 5-7 has been identified in at least one individual with Duchenne muscular dystrophy (DMD). This variant has not been reported in large, multi-ethnic general populations.

Literature cited by the submitters: PubMed 21354051; PubMed 18853462; PubMed 18683213; PubMed 19937601; PubMed 16049303.

Single allele

Gene: DMD (dystrophin; minus strand). Cytogenetic location: Xp21.1.
Variant type: Duplication.
Identifiers: ClinVar variation 1256419 (VCV001256419.1).